The following is an entry in ClinVar:

NM_194318.4(B3GLCT):c.660+1G>A

Gene: B3GLCT (beta 3-glucosyltransferase; plus strand). Cytogenetic location: 13q12.3.
Variant type: single nucleotide variant.
Coding change: c.660+1G>A on transcript NM_194318.4 (MANE Select); the canonical splice donor site of the intron after coding-DNA position 660, G replaced by A.
Molecular consequence: splice donor variant.
Genome position (GRCh38, 1-based): chr13:31,269,278, G>A. VCF-style: chr13-31269278-G-A. GRCh37 (hg19) VCF-style: chr13-31843415-G-A.
Other names: B3GALTL, IVS8, G-A, +1; IVS8, G-A, +1.
Identifiers: ClinVar variation 1264 (VCV000001264.97), dbSNP rs80338851, ClinGen allele CA224368.

ClinVar aggregate classification (germline): Pathogenic. Review status: criteria provided, multiple submitters, no conflicts (2 of 4 stars). 33 submissions from 33 submitters: Pathogenic (26). 7 of the submissions do not count toward it. Last evaluated 2026-06-01.

Conditions:
B3GLCT-related disorders.
B3GLCT-related disorder. Also called: B3GLCT-related condition.
Inborn genetic diseases. Identifiers: MedGen C0950123, MeSH D030342.
Peters plus syndrome. Also called: KRAUSE-KIVLIN SYNDROME. Identifiers: Orphanet 709, MedGen C0796012, MONDO:0009856, OMIM 261540.

Allele frequency attached by ClinVar (database versions not stated): gnomAD 0.00080 and 0.00083; gnomAD exomes 0.00070; TOPMed 0.00083; ExAC 0.00069.
gnomAD v4.1: 1,643 of 1,588,686 alleles (0.1%); highest among the groups gnomAD compares: Non-Finnish European, 0.13%; no homozygotes.

Submissions 1 to 13 of 38:

CeGaT Center for Human Genetics Tuebingen
Classification: Pathogenic. Last evaluated: 2026-06-01. Review status: criteria provided, single submitter. Criteria: CeGaT Center For Human Genetics Tuebingen Variant Classification Criteria Version 2. Collection method: clinical testing. Allele origin: germline. Affected: yes. Observed: 5 variant alleles.
Comment: B3GLCT: PVS1, PM2

Dasa
Classification: Pathogenic. Last evaluated: 2026-03-02. Review status: criteria provided, single submitter. Criteria: DASA Assertion Criteria. Collection method: clinical testing. Allele origin: germline.
Comment: NM_194318.4(B3GLCT):c.660+1G>A introduces a premature termination codon predicted to result in loss of normal protein function. Loss-of-function is an established mechanism of disease for this gene. This variant has been observed in affected individuals with related phenotype in a genotype context consistent with recessive disease (PMID: 16909395; PMID: 19610101; PMID: 18199743; PMID: 19796186; PMID: 23161355). This variant has been recurrently observed in individuals with related phenotype (PMID: 16909395; PMID: 19610101; PMID: 18199743; PMID: 19796186; PMID: 23161355). The variant is present at low frequency in population datasets. Based on the available data, this variant is classified as pathogenic.

PreventionGenetics, part of Exact Sciences
Classification: Pathogenic for B3GLCT-related condition. Last evaluated: 2025-12-18. Review status: criteria provided, single submitter. Criteria: ACMG Guidelines, 2015. Collection method: clinical testing. Allele origin: germline.
Comment: The B3GLCT c.660+1G>A variant is predicted to disrupt the GT donor site and interfere with normal splicing. This variant has been reported to be a common pathogenic variant for Peters Plus syndrome in the homozygous or compound heterozygous states (described as c.1020+1 G>A, Lesnik Oberstein. 2006. PubMed ID: 16909395; Reis., 2008. PubMed ID: 18798333). This variant is reported in 0.12% of alleles in individuals of European (Non-Finnish) descent in gnomAD. Variants that disrupt the consensus splice donor site in B3GLCT are expected to be pathogenic. This variant is interpreted as pathogenic.

Labcorp Genetics (formerly Invitae), Labcorp
Classification: Pathogenic for Peters plus syndrome. Last evaluated: 2025-10-23. Review status: criteria provided, single submitter. Criteria: Invitae Variant Classification Sherloc (09022015). Collection method: clinical testing. Allele origin: germline.
Comment: This sequence change affects a donor splice site in intron 8 of the B3GLCT gene. It is expected to disrupt RNA splicing. Variants that disrupt the donor or acceptor splice site typically lead to a loss of protein function (PMID: 16199547), and loss-of-function variants in B3GLCT are known to be pathogenic (PMID: 18798333, 23889335). This variant is present in population databases (rs80338851, gnomAD 0.1%), and has an allele count higher than expected for a pathogenic variant. Disruption of this splice site has been observed in individuals with Peters-Plus syndrome (PMID: 16909395, 18199743, 19796186, 23161355, 23213277, 23889335, 26684045). ClinVar contains an entry for this variant (Variation ID: 1264). Algorithms developed to predict the effect of sequence changes on RNA splicing suggest that this variant may disrupt the consensus splice site. For these reasons, this variant has been classified as Pathogenic.

Institute of Human Genetics, Heidelberg University
Classification: Pathogenic for Peters plus syndrome. Last evaluated: 2025-08-12. Review status: criteria provided, single submitter. Criteria: ACMG Guidelines, 2015. Collection method: clinical testing. Allele origin: paternal. Affected: yes. Observed: 2 variant alleles.
Comment: PVS1, PM3, PM2_SUP

Victorian Clinical Genetics Services, Murdoch Childrens Research Institute
Classification: Pathogenic for Peters plus syndrome. Last evaluated: 2025-05-21. Review status: criteria provided, single submitter. Criteria: ACMG Guidelines, 2015. Collection method: clinical testing. Allele origin: germline. Affected: no.
Comment: This variant is classified as Pathogenic. Evidence in support of pathogenic classification: Splice site variant proven to affect splicing of the transcript with uncertain effect on protein sequence. RT-PCR and sequence analysis suggest that this variant leads to the out of frame skipping of exon 8 (PMID: 16909395); Variant is present in gnomAD <0.01 for a recessive condition (v4: 1643 heterozygote(s), 0 homozygote(s)); This variant has strong previous evidence of pathogenicity in unrelated individuals. This variant has been reported in over twenty individuals as pathogenic (ClinVar) and has been seen in homozygous fetuses affected with Peters-plus syndrome (PMID: 23161355). Additional information: This variant is heterozygous; This gene is associated with autosomal recessive disease; An alternative nucleotide change at the same canonical splice site is observed in gnomAD (v4: 2 heterozygote(s), 0 homozygote(s)); Loss of function is a known mechanism of disease in this gene and is associated with Peters-plus syndrome (MIM#261540).

Laboratory of Genetics, Children's Clinical University Hospital Latvia
Classification: Pathogenic. Last evaluated: 2025-02-16. Review status: criteria provided, single submitter. Criteria: ACMG Guidelines, 2015. Collection method: clinical testing. Allele origin: germline. Affected: yes.

Blueprint Genetics
Classification: Pathogenic for B3GLCT-related disorders. Last evaluated: 2024-11-11. Review status: criteria provided, single submitter. Criteria: ACMG Guidelines, 2015. Collection method: clinical testing. Allele origin: germline. Affected: yes. Observed: 5 variant alleles.

Ambry Genetics
Classification: Pathogenic for Inborn genetic diseases. Last evaluated: 2024-10-18. Review status: criteria provided, single submitter. Criteria: Ambry Variant Classification Scheme 2023. Collection method: clinical testing. Allele origin: germline.
Comment: The c.660+1G>A intronic variant results from a G to A substitution one nucleotide after coding exon 8 of the B3GLCT gene. Alterations that disrupt the canonical splice site are expected to cause aberrant splicing, resulting in an abnormal protein or a transcript that is subject to nonsense-mediated mRNA decay. Based on data from gnomAD, the A allele has an overall frequency of 0.076% (214/281510) total alleles studied. The highest observed frequency was 0.122% (157/128666) of European (non-Finnish) alleles. This alteration is the most common mutation in this gene and has been reported in the homozygous and compound heterozygous states in association with Peters plus syndrome; this variant has also been reported as c.1020+1G>A (Lesnik Oberstein, 2006; Wang, 2020). This nucleotide position is highly conserved in available vertebrate species. Functional analysis demonstrated that this splice site variant destroys the canonical splice donor site in intron 8, and leads to skipping of exon 8 as confirmed by RT-PCR studies (Lesnik Oberstein, 2006). In silico splice site analysis predicts that this alteration will weaken the native splice donor site. Based on the available evidence, this alteration is classified as pathogenic.

3billion
Classification: Pathogenic for Peters plus syndrome. Last evaluated: 2023-08-13. Review status: criteria provided, single submitter. Criteria: ACMG Guidelines, 2015. Collection method: clinical testing. Allele origin: germline. Affected: yes.
Comment: The variant is observed at an extremely low frequency in the gnomAD v2.1.1 dataset (total allele frequency: 0.076%). Predicted Consequence/Location: Canonical splice site: predicted to alter splicing and result in a loss or disruption of normal protein function. Multiple pathogenic loss-of-function variants are reported downstream of the variant. The variant has been reported at least twice as pathogenic with clinical assertions and evidence for the classification (ClinVar ID: VCV000001264 /PMID: 16909395). Therefore, this variant is classified as Pathogenic according to the recommendation of ACMG/AMP guideline.

Greenwood Genetic Center Diagnostic Laboratories, Greenwood Genetic Center
Classification: Pathogenic for Peters plus syndrome. Last evaluated: 2023-01-25. Review status: criteria provided, single submitter. Criteria: ACMG Guidelines, 2015. Collection method: clinical testing. Allele origin: germline. Affected: yes.
Comment: PVS1, PM3_strong

Laboratorio de Genetica e Diagnostico Molecular, Hospital Israelita Albert Einstein
Classification: Pathogenic for Peters plus syndrome. Last evaluated: 2023-01-23. Review status: criteria provided, single submitter. Criteria: ACMG Guidelines, 2015. Collection method: clinical testing. Allele origin: germline. Affected: yes. Observed: 1 variant allele.
Comment: ACMG classification criteria: PVS1 strong, PM3 strong

Baylor Genetics
Classification: Pathogenic for Peters plus syndrome. Last evaluated: 2023-01-06. Review status: criteria provided, single submitter. Criteria: ACMG Guidelines, 2015. Collection method: clinical testing. Allele origin: unknown.